The following is an entry in ClinVar:

NM_020975.6(RET):c.2147A>T (p.Lys716Met)

Gene: RET (ret proto-oncogene; plus strand). Cytogenetic location: 10q11.21.
Variant type: single nucleotide variant.
Coding change: c.2147A>T on transcript NM_020975.6 (MANE Select); coding-DNA position 2147, A replaced by T.
Protein change: p.Lys716Met; replaces lysine 716 with methionine.
Molecular consequence: missense variant.
Genome position (GRCh38, 1-based): chr10:43,116,594, A>T. VCF-style: chr10-43116594-A-T. GRCh37 (hg19) VCF-style: chr10-43612042-A-T.
Other names: c.1385A>T, p.Lys462Met (NM_001355216.2); c.2147A>T, p.Lys716Met (NM_001406743.1, NM_001406744.1, NM_001406759.1 and 2 more transcripts); c.2018A>T, p.Lys673Met (NM_001406761.1, NM_001406762.1, NM_001406764.1); c.2012A>T, p.Lys671Met (NM_001406763.1, NM_001406765.1); c.1859A>T, p.Lys620Met (NM_001406766.1, NM_001406767.1, NM_001406770.1); c.1883A>T, p.Lys628Met (NM_001406768.1); c.1751A>T, p.Lys584Met (NM_001406769.1, NM_001406772.1); c.1709A>T, p.Lys570Met (NM_001406771.1, NM_001406773.1); and 10 more; short protein forms K377M, K386M, K462M, K673M, K716M, K233M, K281M, K321M.
Identifiers: ClinVar variation 3788321 (VCV003788321.1).

ClinVar aggregate classification (germline): Uncertain significance (1 of 4 stars; one submission).

Conditions:
Hereditary cancer-predisposing syndrome. Also called: Neoplastic Syndromes, Hereditary; Hereditary Cancer Syndrome; Tumor predisposition; Hereditary neoplastic syndrome. Identifiers: Orphanet 140162, MedGen C0027672, MeSH D009386, MONDO:0015356.

Submission:

Ambry Genetics
Classification: Uncertain significance for Hereditary cancer-predisposing syndrome. Last evaluated: 2025-01-06. Review status: criteria provided, single submitter. Criteria: Ambry Variant Classification Scheme 2023. Collection method: clinical testing. Allele origin: germline.
Comment: The p.K716M variant (also known as c.2147A>T), located in coding exon 12 of the RET gene, results from an A to T substitution at nucleotide position 2147. The lysine at codon 716 is replaced by methionine, an amino acid with similar properties. This amino acid position is conserved. In addition, this alteration is predicted to be deleterious by in silico analysis. Based on the available evidence, the clinical significance of this variant remains unclear.